The following is an entry in ClinVar:

NM_002439.5(MSH3):c.895G>T (p.Ala299Ser)

Gene: MSH3 (mutS homolog 3; plus strand). Cytogenetic location: 5q14.1.
Variant type: single nucleotide variant.
Coding change: c.895G>T on transcript NM_002439.5 (MANE Select); coding-DNA position 895, G replaced by T.
Protein change: p.Ala299Ser; replaces alanine 299 with serine.
Molecular consequence: missense variant.
Genome position (GRCh38, 1-based): chr5:80,672,346, G>T. VCF-style: chr5-80672346-G-T. GRCh37 (hg19) VCF-style: chr5-79968165-G-T.
Other names: short protein forms A299S.
Identifiers: ClinVar variation 4824384 (VCV004824384.1).

ClinVar aggregate classification (germline): Uncertain significance (1 of 4 stars; one submission).

Conditions:
Hereditary cancer-predisposing syndrome. Also called: Neoplastic Syndromes, Hereditary; Hereditary neoplastic syndrome; Tumor predisposition; Hereditary Cancer Syndrome. Identifiers: Orphanet 140162, MedGen C0027672, MeSH D009386, MONDO:0015356.

gnomAD v4.1: 1 of 1,612,642 alleles (0.000062%); highest among the groups gnomAD compares: Non-Finnish European, 0.000085%; no homozygotes.

Submission:

Ambry Genetics
Classification: Uncertain significance for Hereditary cancer-predisposing syndrome. Last evaluated: 2026-02-18. Review status: criteria provided, single submitter. Criteria: Ambry Variant Classification Scheme 2023. Collection method: clinical testing. Allele origin: germline.
Comment: The p.A299S variant (also known as c.895G>T), located in coding exon 5 of the MSH3 gene, results from a G to T substitution at nucleotide position 895. The alanine at codon 299 is replaced by serine, an amino acid with similar properties. This amino acid position is well conserved in available vertebrate species. In addition, this alteration is predicted to be tolerated by in silico analysis. Based on the available evidence, the clinical significance of this variant remains unclear.